The following is an entry in ClinVar:

NM_032043.3(BRIP1):c.386C>T (p.Pro129Leu)

Gene: BRIP1 (BRCA1 interacting DNA helicase 1; minus strand). Cytogenetic location: 17q23.2.
Variant type: single nucleotide variant.
Coding change: c.386C>T on transcript NM_032043.3 (MANE Select); coding-DNA position 386, C replaced by T.
Protein change: p.Pro129Leu; replaces proline 129 with leucine.
Molecular consequence: missense variant.
Genome position (GRCh38, 1-based): chr17:61,849,250, G>A on the plus strand (C>T on the coding strand, the complement: BRIP1 is on the minus strand). VCF-style: chr17-61849250-G-A. GRCh37 (hg19) VCF-style: chr17-59926611-G-A.
Other names: short protein forms P129L.
Identifiers: ClinVar variation 136150 (VCV000136150.34), dbSNP rs587780831, ClinGen allele CA332990.
Genomic context (GRCh38, chr17:61,849,250, plus strand): 5'-TCTCTGTATATGGATGCCTGTTTCTTAGCAGATAACTTTGCAGCCAGAGTGGTTTTTTCA[G>A]GGGAGTCTTATATAAGTAATTTAAAAAAAACAGCATAAATAACTTACAGGTAGGCAATTT-3'
Protein context (NP_114432.2, residues 119-139): NGTSSTCQDS[Pro129Leu]EKTTLAAKLS

ClinVar aggregate classification (germline): Uncertain significance. Review status: criteria provided, multiple submitters, no conflicts (2 of 4 stars). 11 submissions from 11 submitters: Uncertain significance (10). 1 of the submissions does not count toward it. Last evaluated 2026-02-07.

Conditions:
BRIP1-related disorder. Also called: BRIP1-related condition; BRIP1-related disorders. Identifiers: MedGen CN239206.
Familial cancer of breast. Also called: hereditary breast carcinoma; Hereditary breast cancer; BREAST CANCER, FAMILIAL. Identifiers: Orphanet 227535, MedGen C0346153, MONDO:0016419, OMIM 114480. Disease mechanism: loss of function.
Fanconi anemia complementation group J. Also called: BRIP1-Related Fanconi Anemia. Identifiers: Orphanet 84, MedGen C1836860, MONDO:0012187, OMIM 609054.
Hereditary cancer-predisposing syndrome. Also called: Neoplastic Syndromes, Hereditary; Tumor predisposition; Hereditary Cancer Syndrome; Hereditary neoplastic syndrome. Identifiers: Orphanet 140162, MedGen C0027672, MeSH D009386, MONDO:0015356.
Malignant tumor of breast. Also called: Cancer breast; Malignant breast neoplasm. Identifiers: MedGen C0006142, MONDO:0007254. Disease mechanism: loss of function.

Allele frequency attached by ClinVar (database versions not stated): ExAC 0.00001; gnomAD exomes 0.00001; TOPMed 0.00001; gnomAD 0.00002.
gnomAD v4.1: 20 of 1,611,994 alleles (0.0012%); highest among the groups gnomAD compares: Admixed American, 0.0017%; no homozygotes.

Submissions (11):

PreventionGenetics, part of Exact Sciences
Classification: Uncertain significance for BRIP1-related condition. Last evaluated: 2026-02-07. Review status: criteria provided, single submitter. Criteria: ACMG Guidelines, 2015. Collection method: clinical testing. Allele origin: germline.
Comment: The BRIP1 c.386C>T variant is predicted to result in the amino acid substitution p.Pro129Leu. This variant has been reported in one individual with breast cancer and in an individual without breast cancer (Breast Cancer Association Consortium et al. 2021. PubMed ID: 33471991). This variant is reported in 0.0040% of alleles in individuals of African descent in gnomAD and has been interpreted as uncertain in ClinVar (Variation ID: 136150). At this time, the clinical significance of this variant is uncertain due to the absence of conclusive functional and genetic evidence.

Labcorp Genetics (formerly Invitae), Labcorp
Classification: Uncertain significance for Familial cancer of breast; Fanconi anemia complementation group J. Last evaluated: 2025-12-28. Review status: criteria provided, single submitter. Criteria: Invitae Variant Classification Sherloc (09022015). Collection method: clinical testing. Allele origin: germline.
Comment: This sequence change replaces proline, which is neutral and non-polar, with leucine, which is neutral and non-polar, at codon 129 of the BRIP1 protein (p.Pro129Leu). This variant is present in population databases (rs587780831, gnomAD 0.004%). This variant has not been reported in the literature in individuals affected with BRIP1-related conditions. ClinVar contains an entry for this variant (Variation ID: 136150). Invitae Evidence Modeling of protein sequence and biophysical properties (such as structural, functional, and spatial information, amino acid conservation, physicochemical variation, residue mobility, and thermodynamic stability) indicates that this missense variant is not expected to disrupt BRIP1 protein function with a negative predictive value of 95%. In summary, the available evidence is currently insufficient to determine the role of this variant in disease. Therefore, it has been classified as a Variant of Uncertain Significance.

Ambry Genetics
Classification: Uncertain significance for Hereditary cancer-predisposing syndrome. Last evaluated: 2024-12-20. Review status: criteria provided, single submitter. Criteria: Ambry Variant Classification Scheme 2023. Collection method: clinical testing. Allele origin: germline.
Comment: The p.P129L variant (also known as c.386C>T), located in coding exon 4 of the BRIP1 gene, results from a C to T substitution at nucleotide position 386. The proline at codon 129 is replaced by leucine, an amino acid with similar properties. This amino acid position is well conserved in available vertebrate species. In addition, this alteration is predicted to be tolerated by in silico analysis. Since supporting evidence is limited at this time, the clinical significance of this alteration remains unclear.

Quest Diagnostics Nichols Institute San Juan Capistrano
Classification: Uncertain significance. Last evaluated: 2024-10-19. Review status: criteria provided, single submitter. Criteria: Quest Diagnostics criteria. Collection method: clinical testing. Allele origin: unknown.
Comment: The BRIP1 c.386C>T (p.Pro129Leu) variant has been reported in the published literature in an individual with breast cancer as well as in a reportedly healthy individual in a large scale breast cancer association study (PMID: 33471991 (2021), see also LOVD). The frequency of this variant in the general population, 0.000011 (3/282164 chromosomes (Genome Aggregation Database)), is uninformative in the assessment of its pathogenicity. Analysis of this variant using bioinformatics tools for the prediction of the effect of amino acid changes on protein structure and function yielded predictions that this variant is benign. Based on the available information, we are unable to determine the clinical significance of this variant.

Blueprint Genetics
Classification: Uncertain significance. Last evaluated: 2024-05-14. Review status: criteria provided, single submitter. Criteria: ACMG Guidelines, 2015. Collection method: clinical testing. Allele origin: germline.

Baylor Genetics
Classification: Uncertain significance for Familial cancer of breast. Last evaluated: 2024-03-18. Review status: criteria provided, single submitter. Criteria: ACMG Guidelines, 2015. Collection method: clinical testing. Allele origin: unknown.

GeneDx
Classification: Uncertain significance. Last evaluated: 2023-09-26. Review status: criteria provided, single submitter. Criteria: GeneDx Variant Classification Process June 2021. Collection method: clinical testing. Allele origin: germline. Affected: yes.
Comment: Not observed at significant frequency in large population cohorts (gnomAD); In silico analysis supports that this missense variant has a deleterious effect on protein structure/function; Has not been previously published as pathogenic or benign to our knowledge

Color Diagnostics, LLC DBA Color Health
Classification: Uncertain significance for Hereditary cancer-predisposing syndrome. Last evaluated: 2023-07-20. Review status: criteria provided, single submitter. Criteria: ACMG Guidelines, 2015. Collection method: clinical testing. Allele origin: germline.
Comment: This missense variant replaces proline with leucine at codon 129 of the BRIP1 protein. Computational prediction suggests that this variant may not impact protein structure and function (internally defined REVEL score threshold <= 0.5, PMID: 27666373). To our knowledge, functional studies have not been reported for this variant. This variant has not been reported in individuals affected with BRIP1-related disorders in the literature. This variant has been identified in 3/282164 chromosomes in the general population by the Genome Aggregation Database (gnomAD). The available evidence is insufficient to determine the role of this variant in disease conclusively. Therefore, this variant is classified as a Variant of Uncertain Significance.

Women's Health and Genetics/Laboratory Corporation of America, LabCorp
Classification: Uncertain significance. Last evaluated: 2021-08-08. Review status: criteria provided, single submitter. Criteria: LabCorp Variant Classification Summary - May 2015. Collection method: clinical testing. Allele origin: germline.
Comment: Variant summary: BRIP1 c.386C>T (p.Pro129Leu) results in a non-conservative amino acid change located in the Helicase-like domain (IPR006554) of the encoded protein sequence. Three of five in-silico tools predict a benign effect of the variant on protein function. The variant allele was found at a frequency of 8e-06 in 250822 control chromosomes. The available data on variant occurrences in the general population are insufficient to allow any conclusion about variant significance. To our knowledge, no occurrence of c.386C>T in individuals affected with Breast Cancer and no experimental evidence demonstrating its impact on protein function have been reported. Four clinical diagnostic laboratories have submitted clinical-significance assessments for this variant to ClinVar after 2014 without evidence for independent evaluation. All laboratories classified the variant as uncertain significance. Based on the evidence outlined above, the variant was classified as uncertain significance.

Sema4
Classification: Uncertain significance for Hereditary cancer-predisposing syndrome. Last evaluated: 2021-04-10. Review status: criteria provided, single submitter. Criteria: Sema4 Curation Guidelines. Collection method: curation. Allele origin: germline.
Comment: The BRIP1 c.386C>T (p.P129L) variant has not been reported in the literature to our knowledge. It was observed in 3/282164 chromosomes in the large and broad cohorts of the Genome Aggregation Database (PMID: 32461654). The variant has been reported in ClinVar (Variation ID 136150). In silico tools suggest the impact of the variant on protein function is inconclusive, though these predictions have not been confirmed by functional studies. The evidence is insufficient to meet ACMG/AMP criteria for classifying the variant as benign or pathogenic. Thus, the clinical significance of this variant is currently uncertain.

Department of Pathology and Laboratory Medicine, Sinai Health System
Classification: Uncertain significance for Malignant tumor of breast. Review status: no assertion criteria provided. Collection method: clinical testing. Allele origin: unknown. Affected: yes. Study: The Canadian Open Genetics Repository (COGR). Not counted in ClinVar's aggregate classification.
Comment: The BRIP1 p.Pro129Leu variant was not identified in the literature nor was it identified in the Cosmic, MutDB, Zhejiang Colon Cancer Database, databases. The variant was identified in dbSNP (ID: rs587780831) as With Uncertain significance allele, ClinVar (classified as uncertain significance by Invitae, Ambry Genetics, GeneDx), Clinvitae (classified as uncertain significance by Invitae, ClinVar), databases. The variant was identified in control databases in 3 of 276696 chromosomes at a frequency of 0.00001 in the following populations: European in 2 of 126438 chromosomes (freq. 0.00002), African in 1 of 23988 chromosomes (freq. 0.00004) increasing the likelihood that this may be a low frequency benign variant in certain populations of origin (Genome Aggregation Consortium Feb 27, 2017). The p.Pro129 residue is conserved in mammals and computational analyses (PolyPhen-2, SIFT, AlignGVGD, BLOSUM, MutationTaster) provide inconsistent predictions regarding the impact to the protein; this information is not very predictive of pathogenicity. The variant occurs outside of the splicing consensus sequence and in silico or computational prediction software programs (SpliceSiteFinder, MaxEntScan, NNSPLICE, GeneSplicer, HumanSpliceFinder) do not predict a difference in splicing. The variant is located with the DNA/RNA helicase, DEAD/DEAH box type, N-terminal Helicase, superfamily 1/2, ATP-binding domain, DinG/Rad3-type Helicase-like, DEXD box c2 type Helicase, superfamily 1/2, ATP-binding domain functional domains increasing the likelihood that it may have clinical significance. In summary, based on the above information, the clinical significance of this variant cannot be determined with certainty at this time. This variant is classified as a variant of uncertain significance.

Literature cited by the submitters: PubMed 33471991 (cited by Quest Diagnostics Nichols Institute San Juan Capistrano).